The following is an entry in ClinVar:

ClinVar aggregate classification (germline): Likely pathogenic (1 of 4 stars; one submission).

Conditions:
Inborn genetic diseases. Identifiers: MedGen C0950123, MeSH D030342.

Submission:

Ambry Genetics
Classification: Likely pathogenic for Inborn genetic diseases. Last evaluated: 2023-06-29. Review status: criteria provided, single submitter. Criteria: Ambry Variant Classification Scheme 2023. Collection method: clinical testing. Allele origin: germline.
Comment: The c.238G>C (p.D80H) alteration is located in exon 5 (coding exon 4) of the GABRB2 gene. This alteration results from a G to C substitution at nucleotide position 238, causing the aspartic acid (D) at amino acid position 80 to be replaced by a histidine (H). This variant impacts thefirst base pair of exon 5 (coding exon 4). This variant was not reported in population-based cohorts in the Genome Aggregation Database (gnomAD). This amino acid position is highly conserved in available vertebrate species. This missense alteration is located in a region that has a low rate of benign missense variation (Lek, 2016; Firth, 2009). This alteration is predicted to be deleterious by in silico analysis. Based on the available evidence, this alteration is classified as likely pathogenic.

NM_001371727.1(GABRB2):c.238G>C (p.Asp80His)

Gene: GABRB2 (gamma-aminobutyric acid type A receptor subunit beta2; minus strand). Cytogenetic location: 5q34.
Variant type: single nucleotide variant.
Coding change: c.238G>C on transcript NM_001371727.1 (MANE Select); coding-DNA position 238, G replaced by C.
Protein change: p.Asp80His; replaces aspartic acid 80 with histidine.
Molecular consequence: missense variant.
Genome position (GRCh38, 1-based): chr5:161,459,844, C>G on the plus strand (G>C on the coding strand, the complement: GABRB2 is on the minus strand). VCF-style: chr5-161459844-C-G. GRCh37 (hg19) VCF-style: chr5-160886850-C-G.
Other names: c.238G>C, p.Asp80His (NM_000813.3, NM_021911.3); short protein forms D80H.
Identifiers: ClinVar variation 2556123 (VCV002556123.3), dbSNP rs2480000325, ClinGen allele CA362174193.